The following is an entry in ClinVar:

ClinVar aggregate classification (germline): Uncertain significance (1 of 4 stars; one submission).

Allele frequency attached by ClinVar (database versions not stated): gnomAD exomes below 0.00001; gnomAD 0.00001; TOPMed 0.00001.
gnomAD v4.1: 2 of 1,607,856 alleles (0.00012%); highest among the groups gnomAD compares: African/African-American, 0.0013%; no homozygotes.

Submission:

GeneDx
Classification: Uncertain significance. Last evaluated: 2021-03-30. Review status: criteria provided, single submitter. Criteria: GeneDx Variant Classification Process June 2021. Collection method: clinical testing. Allele origin: germline. Affected: yes.
Comment: Has not been previously published as pathogenic or benign to our knowledge; Not observed at a significant frequency in large population cohorts (Lek et al., 2016); In silico analysis supports that this missense variant does not alter protein structure/function

NM_002317.7(LOX):c.332G>T (p.Gly111Val)

Genes: LOX (lysyl oxidase; minus strand), SRFBP1 (serum response factor binding protein 1; plus strand). Cytogenetic location: 5q23.1.
Variant type: single nucleotide variant.
Coding change: c.332G>T on transcript NM_002317.7 (MANE Select); coding-DNA position 332, G replaced by T.
Protein change: p.Gly111Val; replaces glycine 111 with valine.
Molecular consequence: missense variant.
Genome position (GRCh38, 1-based): chr5:122,077,654, C>A on the plus strand (G>T on the coding strand, the complement: LOX is on the minus strand). VCF-style: chr5-122077654-C-A. GRCh37 (hg19) VCF-style: chr5-121413349-C-A.
Other names: short protein forms G111V.
Identifiers: ClinVar variation 1314347 (VCV001314347.2), dbSNP rs1222871851, ClinGen allele CA360876843.